The following is an entry in ClinVar:

NM_001943.5(DSG2):c.161C>T (p.Ala54Val)

Gene: DSG2 (desmoglein 2; plus strand). Cytogenetic location: 18q12.1.
Variant type: single nucleotide variant.
Coding change: c.161C>T on transcript NM_001943.5 (MANE Select); coding-DNA position 161, C replaced by T.
Protein change: p.Ala54Val; replaces alanine 54 with valine.
Molecular consequence: missense variant.
Genome position (GRCh38, 1-based): chr18:31,519,882, C>T. VCF-style: chr18-31519882-C-T. GRCh37 (hg19) VCF-style: chr18-29099845-C-T.
Other names: short protein forms A54V.
Identifiers: ClinVar variation 3069562 (VCV003069562.2), dbSNP rs549152487, ClinGen allele CA297728516.
Genomic context (GRCh38, chr18:31,519,882, plus strand): 5'-AAAATAAGCTGCTTCCTAAACATCCTCATTTAGTGCGGCAAAAGCGCGCCTGGATCACCG[C>T]CCCCGTGGCTCTTCGGGAGGGAGAGGATCTGTCCAAGAAGAATCCAATTGCCAAGGTACC-3'
Protein context (NP_001934.2, residues 44-64): LVRQKRAWIT[Ala54Val]PVALREGEDL

ClinVar aggregate classification (germline): Uncertain significance. Review status: criteria provided, multiple submitters, no conflicts (2 of 4 stars). 2 submissions from 2 submitters: Uncertain significance (2). Last evaluated 2025-12-29.

Conditions:
Arrhythmogenic right ventricular dysplasia 10. Also called: ARRHYTHMOGENIC RIGHT VENTRICULAR DYSPLASIA, FAMILIAL, 10; Arrhythmogenic Right Ventricular Dysplasia/Cardiomyopathy10; Arrhythmogenic right ventricular dysplasia/cardiomyopathy, type 10. Identifiers: MedGen C1857777, MONDO:0012434, OMIM 610193.
Arrhythmogenic right ventricular cardiomyopathy (ARVD). Also called: Arrhythmogenic right ventricular dysplasia; Cardiomyopathy, ARVC; Arrhythmogenic cardiomyopathy; Arrhythmogenic Right Ventricular Cardiomyopathy (ARVC). Identifiers: Orphanet 247, MedGen C0349788, MeSH D019571, MONDO:0016587. Disease mechanism: loss of function. Inheritance: Various modes of inheritance.

Allele frequency attached by ClinVar (database versions not stated): gnomAD exomes 0.00001; 1000 Genomes Project 30x 0.00016; 1000 Genomes Project 0.00020.
gnomAD v4.1: 4 of 1,614,128 alleles (0.00025%); highest among the groups gnomAD compares: East Asian, 0.0067%; no homozygotes.

Submissions (2):

Labcorp Genetics (formerly Invitae), Labcorp
Classification: Uncertain significance for Arrhythmogenic right ventricular dysplasia 10. Last evaluated: 2025-12-29. Review status: criteria provided, single submitter. Criteria: Invitae Variant Classification Sherloc (09022015). Collection method: clinical testing. Allele origin: germline.
Comment: This sequence change replaces alanine, which is neutral and non-polar, with valine, which is neutral and non-polar, at codon 54 of the DSG2 protein (p.Ala54Val). This variant is present in population databases (rs549152487, gnomAD 0.0009%). This variant has not been reported in the literature in individuals affected with DSG2-related conditions. ClinVar contains an entry for this variant (Variation ID: 3069562). Invitae Evidence Modeling of protein sequence and biophysical properties (such as structural, functional, and spatial information, amino acid conservation, physicochemical variation, residue mobility, and thermodynamic stability) indicates that this missense variant is not expected to disrupt DSG2 protein function with a negative predictive value of 95%. In summary, the available evidence is currently insufficient to determine the role of this variant in disease. Therefore, it has been classified as a Variant of Uncertain Significance.

All of Us Research Program, National Institutes of Health
Classification: Uncertain significance for Arrhythmogenic right ventricular cardiomyopathy. Last evaluated: 2023-02-24. Review status: criteria provided, single submitter. Criteria: ACMG Guidelines, 2015. Collection method: clinical testing. Allele origin: germline. Inheritance: Autosomal dominant inheritance. Observed: 1 variant allele, 1 heterozygote.
Comment: This missense variant replaces alanine with valine at codon 54 of the DSG2 protein. Computational prediction suggests that this variant may not impact protein structure and function (internally defined REVEL score threshold <= 0.5, PMID: 27666373). To our knowledge, functional studies have not been reported for this variant. This variant has been reported in an individual affected with arrhythmogenic cardiomyopathy (PMID: 29456632). This variant has been identified in 1/249488 chromosomes in the general population by the Genome Aggregation Database (gnomAD). The available evidence is insufficient to determine the role of this variant in disease conclusively. Therefore, this variant is classified as a Variant of Uncertain Significance.

This study involves interpretation of variants in research participants for the purpose of population health screening. Participant phenotype was not available at the time of variant classification. Additional details can be found in publication PMID: 35346344, PMCID: PMC8962531

Literature cited by the submitters: PubMed 29456632 (cited by All of Us Research Program, National Institutes of Health).